The following is an entry in ClinVar:

ClinVar aggregate classification (germline): Pathogenic (1 of 4 stars; one submission).

Conditions:
Duchenne muscular dystrophy (DMD). Also called: MUSCULAR DYSTROPHY, PSEUDOHYPERTROPHIC PROGRESSIVE, DUCHENNE TYPE; Duchenne Muscular Dystrophy (DMD). Identifiers: Orphanet 98896, MedGen C0013264, MONDO:0010679, OMIM 310200.

Submission:

Labcorp Genetics (formerly Invitae), Labcorp
Classification: Pathogenic for Duchenne muscular dystrophy. Last evaluated: 2016-11-28. Review status: criteria provided, single submitter. Criteria: Invitae Variant Classification Sherloc (09022015). Collection method: clinical testing. Allele origin: germline.
Comment: This variant is a gross deletion of the genomic region encompassing exons 8-42 of the DMD gene. This creates a premature translational stop signal and is expected to result in an absent or disrupted protein product. Loss-of-function variants, including gross deletions, in DMD are known to be pathogenic (PMID: 16770791). Deletion of exons 8-42 has been reported in the literature in an individual affected with Duchenne muscular dystrophy (PMID: 21515508). For these reasons, this variant has been classified as Pathogenic.

Literature cited by the submitters: PubMed 16770791; PubMed 21515508.

NC_000023.10:g.(?_32328179)_(32632590_?)del

Gene: DMD (dystrophin; minus strand). Cytogenetic location: Xp21.1.
Variant type: Deletion.
Identifiers: ClinVar variation 1071520 (VCV001071520.8).